The following is an entry in ClinVar:

ClinVar aggregate classification (germline): Uncertain significance (1 of 4 stars; one submission).

gnomAD v4.1: 9 of 1,613,940 alleles (0.00056%); highest among the groups gnomAD compares: Non-Finnish European, 0.00076%; no homozygotes.

Submission:

GeneDx
Classification: Uncertain significance. Last evaluated: 2024-12-17. Review status: criteria provided, single submitter. Criteria: GeneDx Variant Classification Process June 2021. Collection method: clinical testing. Allele origin: germline. Affected: yes.
Comment: Not observed at significant frequency in large population cohorts (gnomAD); In silico analysis indicates that this missense variant does not alter protein structure/function; Has not been previously published as pathogenic or benign to our knowledge

NM_018263.6(ASXL2):c.688T>C (p.Ser230Pro)

Gene: ASXL2 (ASXL transcriptional regulator 2; minus strand). Cytogenetic location: 2p23.3.
Variant type: single nucleotide variant.
Coding change: c.688T>C on transcript NM_018263.6 (MANE Select); coding-DNA position 688, T replaced by C.
Protein change: p.Ser230Pro; replaces serine 230 with proline.
Molecular consequence: missense variant. On other transcripts: 5 prime UTR variant (1).
Genome position (GRCh38, 1-based): chr2:25,767,670, A>G on the plus strand (T>C on the coding strand, the complement: ASXL2 is on the minus strand). VCF-style: chr2-25767670-A-G. GRCh37 (hg19) VCF-style: chr2-25990539-A-G.
Other names: c.514T>C, p.Ser172Pro (NM_001369346.1); c.-93T>C (NM_001369347.1); short protein forms S172P, S230P.
Identifiers: ClinVar variation 3906667 (VCV003906667.1).
Genomic context (GRCh38, chr2:25,767,670, plus strand): 5'-ATGACTTCTTCCCCAAGCCTAGTAAAGTATTTTCCACTTTAACTGAGGAAGAAAAGCTGG[A>G]GTTTGAGTTTTGAGGGCTGCCTGTCTGTCCATCAGATTGCTTTCCTTCCCATGTTGCTAG-3'
Protein context (NP_060733.4, residues 220-240): GQTGSPQNSN[Ser230Pro]SFSSSVKVEN